The following is an entry in ClinVar:

ClinVar aggregate classification (germline): Uncertain significance (1 of 4 stars; one submission).

gnomAD v4.1: 2 of 1,613,922 alleles (0.00012%); highest among the groups gnomAD compares: Non-Finnish European, 0.00017%; no homozygotes.

Submission:

Labcorp Genetics (formerly Invitae), Labcorp
Classification: Uncertain significance. Last evaluated: 2025-11-27. Review status: criteria provided, single submitter. Criteria: Invitae Variant Classification Sherloc (09022015). Collection method: clinical testing. Allele origin: germline.
Comment: This sequence change replaces aspartic acid, which is acidic and polar, with asparagine, which is neutral and polar, at codon 485 of the ASXL2 protein (p.Asp485Asn). This variant is present in population databases (rs757806189, gnomAD 0.002%). This variant has not been reported in the literature in individuals affected with ASXL2-related conditions. Invitae Evidence Modeling of protein sequence and biophysical properties (such as structural, functional, and spatial information, amino acid conservation, physicochemical variation, residue mobility, and thermodynamic stability) indicates that this missense variant is not expected to disrupt ASXL2 protein function with a negative predictive value of 80%. In summary, the available evidence is currently insufficient to determine the role of this variant in disease. Therefore, it has been classified as a Variant of Uncertain Significance.

NM_018263.6(ASXL2):c.1453G>A (p.Asp485Asn)

Gene: ASXL2 (ASXL transcriptional regulator 2; minus strand). Cytogenetic location: 2p23.3.
Variant type: single nucleotide variant.
Coding change: c.1453G>A on transcript NM_018263.6 (MANE Select); coding-DNA position 1453, G replaced by A.
Protein change: p.Asp485Asn; replaces aspartic acid 485 with asparagine.
Molecular consequence: missense variant.
Genome position (GRCh38, 1-based): chr2:25,750,103, C>T on the plus strand (G>A on the coding strand, the complement: ASXL2 is on the minus strand). VCF-style: chr2-25750103-C-T. GRCh37 (hg19) VCF-style: chr2-25972972-C-T.
Other names: c.1279G>A, p.Asp427Asn (NM_001369346.1); c.673G>A, p.Asp225Asn (NM_001369347.1); short protein forms D225N, D427N, D485N.
Identifiers: ClinVar variation 4767549 (VCV004767549.1).